The following is an entry in ClinVar:

ClinVar aggregate classification (germline): Uncertain significance (1 of 4 stars; one submission).

Allele frequency attached by ClinVar (database versions not stated): gnomAD 0.00001.

Submission:

Labcorp Genetics (formerly Invitae), Labcorp
Classification: Uncertain significance. Last evaluated: 2021-08-13. Review status: criteria provided, single submitter. Criteria: Invitae Variant Classification Sherloc (09022015). Collection method: clinical testing. Allele origin: germline.
Comment: This sequence change replaces glutamic acid with alanine at codon 306 of the HPS6 protein (p.Glu306Ala). The glutamic acid residue is moderately conserved and there is a moderate physicochemical difference between glutamic acid and alanine. This variant is not present in population databases (ExAC no frequency). This variant has not been reported in the literature in individuals affected with HPS6-related conditions. Algorithms developed to predict the effect of missense changes on protein structure and function (SIFT, PolyPhen-2, Align-GVGD) all suggest that this variant is likely to be tolerated. In summary, the available evidence is currently insufficient to determine the role of this variant in disease. Therefore, it has been classified as a Variant of Uncertain Significance.

NM_024747.6(HPS6):c.917A>C (p.Glu306Ala)

Gene: HPS6 (HPS6 biogenesis of lysosomal organelles complex 2 subunit 3; plus strand). Cytogenetic location: 10q24.32.
Variant type: single nucleotide variant.
Coding change: c.917A>C on transcript NM_024747.6 (MANE Select); coding-DNA position 917, A replaced by C.
Protein change: p.Glu306Ala; replaces glutamic acid 306 with alanine.
Molecular consequence: missense variant.
Genome position (GRCh38, 1-based): chr10:102,066,391, A>C. VCF-style: chr10-102066391-A-C. GRCh37 (hg19) VCF-style: chr10-103826148-A-C.
Other names: short protein forms E306A.
Identifiers: ClinVar variation 1525035 (VCV001525035.5), dbSNP rs1368443468, ClinGen allele CA377860139.